The following is an entry in ClinVar:

NM_001035.3(RYR2):c.4956A>T (p.Lys1652Asn)

Gene: RYR2 (ryanodine receptor 2; plus strand). Cytogenetic location: 1q43.
Variant type: single nucleotide variant.
Coding change: c.4956A>T on transcript NM_001035.3 (MANE Select); coding-DNA position 4956, A replaced by T.
Protein change: p.Lys1652Asn; replaces lysine 1652 with asparagine.
Molecular consequence: missense variant.
Genome position (GRCh38, 1-based): chr1:237,614,084, A>T. VCF-style: chr1-237614084-A-T. GRCh37 (hg19) VCF-style: chr1-237777384-A-T.
Other names: short protein forms K1652N.
Identifiers: ClinVar variation 3791612 (VCV003791612.1).

ClinVar aggregate classification (germline): Uncertain significance (1 of 4 stars; one submission).

Conditions:
Cardiovascular phenotype. Identifiers: MedGen CN230736.

Submission:

Ambry Genetics
Classification: Uncertain significance for Cardiovascular phenotype. Last evaluated: 2024-12-20. Review status: criteria provided, single submitter. Criteria: Ambry Variant Classification Scheme 2023. Collection method: clinical testing. Allele origin: germline.
Comment: The p.K1652N variant (also known as c.4956A>T), located in coding exon 37 of the RYR2 gene, results from an A to T substitution at nucleotide position 4956. The lysine at codon 1652 is replaced by asparagine, an amino acid with similar properties. This amino acid position is not well conserved in available vertebrate species. In addition, this alteration is predicted to be tolerated by in silico analysis. Based on the available evidence, the clinical significance of this variant remains unclear.